The following is an entry in ClinVar:

NM_001376.5(DYNC1H1):c.9554A>C (p.Asn3185Thr)

Gene: DYNC1H1 (dynein cytoplasmic 1 heavy chain 1; plus strand). Cytogenetic location: 14q32.31.
Variant type: single nucleotide variant.
Coding change: c.9554A>C on transcript NM_001376.5 (MANE Select); coding-DNA position 9554, A replaced by C.
Protein change: p.Asn3185Thr; replaces asparagine 3185 with threonine.
Molecular consequence: missense variant.
Genome position (GRCh38, 1-based): chr14:102,029,624, A>C. VCF-style: chr14-102029624-A-C. GRCh37 (hg19) VCF-style: chr14-102495961-A-C.
Other names: short protein forms N3185T.
Identifiers: ClinVar variation 539780 (VCV000539780.12), dbSNP rs1311056505, ClinGen allele CA391015762.

ClinVar aggregate classification (germline): Uncertain significance. Review status: criteria provided, multiple submitters, no conflicts (2 of 4 stars). 3 submissions from 3 submitters: Uncertain significance (3). Last evaluated 2025-04-25.

Conditions:
Charcot-Marie-Tooth disease axonal type 2O. Also called: CHARCOT-MARIE-TOOTH NEUROPATHY, AXONAL, TYPE 2O; CHARCOT-MARIE-TOOTH DISEASE, AXONAL, AUTOSOMAL DOMINANT, TYPE 2O; Charcot-Marie-Tooth Neuropathy Type 2O; Charcot-Marie-Tooth disease, axonal, type 20. Identifiers: Orphanet 284232, MedGen C3280220, MONDO:0013644, OMIM 614228.
Inborn genetic diseases. Identifiers: MedGen C0950123, MeSH D030342.

Allele frequency attached by ClinVar (database versions not stated): gnomAD exomes below 0.00001; TOPMed 0.00001.
gnomAD v4.1: 21 of 1,614,108 alleles (0.0013%); highest among the groups gnomAD compares: Non-Finnish European, 0.0015%; no homozygotes.

Submissions (3):

Ambry Genetics
Classification: Uncertain significance for Inborn genetic diseases. Last evaluated: 2025-04-25. Review status: criteria provided, single submitter. Criteria: Ambry Variant Classification Scheme 2023. Collection method: clinical testing. Allele origin: germline.

GeneDx
Classification: Uncertain significance. Last evaluated: 2019-08-20. Review status: criteria provided, single submitter. Criteria: GeneDx Variant Classification Process June 2021. Collection method: clinical testing. Allele origin: germline. Affected: yes.
Comment: Not observed at a significant frequency in large population cohorts (Lek et al., 2016); In silico analysis, which includes protein predictors and evolutionary conservation, supports that this variant does not alter protein structure/function; Has not been previously published as pathogenic or benign to our knowledge

Labcorp Genetics (formerly Invitae), Labcorp
Classification: Uncertain significance for Charcot-Marie-Tooth disease axonal type 2O. Last evaluated: 2017-11-28. Review status: criteria provided, single submitter. Criteria: Invitae Variant Classification Sherloc (09022015). Collection method: clinical testing. Allele origin: germline.
Comment: In summary, the available evidence is currently insufficient to determine the role of this variant in disease. Therefore, it has been classified as a Variant of Uncertain Significance. Algorithms developed to predict the effect of missense changes on protein structure and function (SIFT, PolyPhen-2, Align-GVGD) all suggest that this variant is likely to be tolerated, but these predictions have not been confirmed by published functional studies and their clinical significance is uncertain. This variant has not been reported in the literature in individuals with DYNC1H1-related disease. This variant is not present in population databases (ExAC no frequency). This sequence change replaces asparagine with threonine at codon 3185 of the DYNC1H1 protein (p.Asn3185Thr). The asparagine residue is highly conserved and there is a small physicochemical difference between asparagine and threonine.